The following is an entry in ClinVar:

ClinVar aggregate classification (germline): Pathogenic/Likely pathogenic. Review status: criteria provided, multiple submitters, no conflicts (2 of 4 stars). 3 submissions from 3 submitters: Pathogenic (2); Likely pathogenic (1). Last evaluated 2025-06-04.

Conditions:
Lethal multiple pterygium syndrome (LMPS). Identifiers: Orphanet 33108, MedGen C1854678, MONDO:0009668, OMIM 253290.
Autosomal recessive multiple pterygium syndrome. Also called: MULTIPLE PTERYGIUM SYNDROME, ESCOBAR VARIANT; PTERYGIUM COLLI SYNDROME; PTERYGIUM SYNDROME; PTERYGIUM UNIVERSALE. Identifiers: Orphanet 2990, MedGen C0265261, MONDO:0009926, OMIM 265000.

Submissions (3):

GeneDx
Classification: Pathogenic. Last evaluated: 2025-06-04. Review status: criteria provided, single submitter. Criteria: GeneDx Variant Classification Process June 2021. Collection method: clinical testing. Allele origin: germline.
Comment: Frameshift variant predicted to result in protein truncation or nonsense mediated decay in a gene for which loss of function is a known mechanism of disease; Not observed at significant frequency in large population cohorts (gnomAD); Has not been previously published as pathogenic or benign to our knowledge

Fulgent Genetics
Classification: Likely pathogenic for Lethal multiple pterygium syndrome; Autosomal recessive multiple pterygium syndrome. Last evaluated: 2024-06-14. Review status: criteria provided, single submitter. Criteria: ACMG Guidelines, 2015. Collection method: clinical testing. Allele origin: germline.

Labcorp Genetics (formerly Invitae), Labcorp
Classification: Pathogenic. Last evaluated: 2024-04-17. Review status: criteria provided, single submitter. Criteria: Invitae Variant Classification Sherloc (09022015). Collection method: clinical testing. Allele origin: germline.
Comment: This sequence change creates a premature translational stop signal (p.Pro361Argfs*49) in the CHRNG gene. It is expected to result in an absent or disrupted protein product. Loss-of-function variants in CHRNG are known to be pathogenic (PMID: 16826520). This variant is present in population databases (no rsID available, gnomAD 0.002%). This variant has not been reported in the literature in individuals affected with CHRNG-related conditions. For these reasons, this variant has been classified as Pathogenic.

Literature cited by the submitters: PubMed 16826520 (cited by Labcorp Genetics (formerly Invitae), Labcorp).

NM_005199.5(CHRNG):c.1081_1102del (p.Pro361fs)

Genes: CHRNG (cholinergic receptor nicotinic gamma subunit; plus strand), TIGD1 (tigger transposable element derived 1; minus strand). Cytogenetic location: 2q37.1.
Variant type: Deletion.
Coding change: c.1081_1102del on transcript NM_005199.5 (MANE Select); coding-DNA positions 1081 to 1102, 22 bases deleted (CCGCTGGCCCCGGCAGCTGTGC).
Protein change: p.Pro361fs; shifts the reading frame from proline 361.
Molecular consequence: frameshift variant. On other transcripts: 3 prime UTR variant (1).
Genome position (GRCh38, 1-based): chr2:232,544,412-232,544,433, CCGCTGGCCCCGGCAGCTGTGC deleted; deleting any 22 consecutive bases within chr2:232,544,410-232,544,433 gives the same sequence; the c. name uses the placement nearest the transcript's 3' end. VCF-style (leftmost placement, unchanged base first): chr2-232544409-CGCCCGCTGGCCCCGGCAGCTGT-C. GRCh37 (hg19) VCF-style: chr2-233409119-CGCCCGCTGGCCCCGGCAGCTGT-C.
Other names: c.1081_1102del (NM_005199.4); c.*3676_*3697del (NM_145702.4); short protein forms P361fs.
Identifiers: ClinVar variation 2727690 (VCV002727690.6), dbSNP rs1559304988, ClinGen allele CA540310139.